The following is an entry in ClinVar:

ClinVar aggregate classification (germline): Pathogenic (1 of 4 stars; one submission).

Submission:

Labcorp Genetics (formerly Invitae), Labcorp
Classification: Pathogenic. Last evaluated: 2022-09-19. Review status: criteria provided, single submitter. Criteria: Invitae Variant Classification Sherloc (09022015). Collection method: clinical testing. Allele origin: germline.
Comment: For these reasons, this variant has been classified as Pathogenic. ClinVar contains an entry for this variant (Variation ID: 1072767). This variant has not been reported in the literature in individuals affected with ABCC8-related conditions. This variant is not present in population databases (gnomAD no frequency). This sequence change creates a premature translational stop signal (p.Gln264*) in the ABCC8 gene. It is expected to result in an absent or disrupted protein product. Loss-of-function variants in ABCC8 are known to be pathogenic (PMID: 20685672, 23345197).

Literature cited by the submitters: PubMed 20685672; PubMed 23345197.

NM_000352.6(ABCC8):c.790C>T (p.Gln264Ter)

Gene: ABCC8 (ATP binding cassette subfamily C member 8; minus strand). Cytogenetic location: 11p15.1.
Variant type: single nucleotide variant.
Coding change: c.790C>T on transcript NM_000352.6 (MANE Select); coding-DNA position 790, C replaced by T.
Protein change: p.Gln264Ter; replaces glutamine 264 with a stop codon.
Molecular consequence: nonsense. On other transcripts: non-coding transcript variant (1).
Genome position (GRCh38, 1-based): chr11:17,461,615, G>A on the plus strand (C>T on the coding strand, the complement: ABCC8 is on the minus strand). VCF-style: chr11-17461615-G-A. GRCh37 (hg19) VCF-style: chr11-17483162-G-A.
Other names: c.790C>T, p.Gln264Ter (NM_001287174.3, NM_001351295.2, NM_001351296.2 and 1 more transcripts); short protein forms Q264*.
Identifiers: ClinVar variation 1072767 (VCV001072767.7), dbSNP rs2133679133, ClinGen allele CA379778194.